The following is an entry in ClinVar:

ClinVar aggregate classification (germline): Uncertain significance. Review status: criteria provided, multiple submitters, no conflicts (2 of 4 stars). 2 submissions from 2 submitters: Uncertain significance (2). Last evaluated 2024-12-03.

Conditions:
Primary dilated cardiomyopathy (DCM). Also called: Dilated Cardiomyopathy. Identifiers: Orphanet 217604, MedGen C0007193, MeSH D002311, MONDO:0005021, HP:0001644. Inheritance: Various modes of inheritance.

Allele frequency attached by ClinVar (database versions not stated): TOPMed below 0.00001; ExAC 0.00001; gnomAD 0.00001.
gnomAD v4.1: 8 of 1,580,608 alleles (0.00051%); highest among the groups gnomAD compares: Admixed American, 0.012%; no homozygotes.

Submissions (2):

Ambry Genetics
Classification: Uncertain significance. Last evaluated: 2024-12-03. Review status: criteria provided, single submitter. Criteria: Ambry Variant Classification Scheme 2023. Collection method: clinical testing. Allele origin: germline.

Labcorp Genetics (formerly Invitae), Labcorp
Classification: Uncertain significance for Primary dilated cardiomyopathy. Last evaluated: 2023-02-01. Review status: criteria provided, single submitter. Criteria: Invitae Variant Classification Sherloc (09022015). Collection method: clinical testing. Allele origin: germline.
Comment: In summary, the available evidence is currently insufficient to determine the role of this variant in disease. Therefore, it has been classified as a Variant of Uncertain Significance. Algorithms developed to predict the effect of missense changes on protein structure and function are either unavailable or do not agree on the potential impact of this missense change (SIFT: "Tolerated"; PolyPhen-2: "Probably Damaging"; Align-GVGD: "Class C0"). This variant has not been reported in the literature in individuals affected with NEBL-related conditions. This variant is present in population databases (rs766254363, gnomAD 0.02%). This sequence change replaces aspartic acid, which is acidic and polar, with alanine, which is neutral and non-polar, at codon 415 of the NEBL protein (p.Asp415Ala).

NM_006393.3(NEBL):c.1244A>C (p.Asp415Ala)

Gene: NEBL (nebulette; minus strand). Cytogenetic location: 10p12.31.
Variant type: single nucleotide variant.
Coding change: c.1244A>C on transcript NM_006393.3 (MANE Select); coding-DNA position 1244, A replaced by C.
Protein change: p.Asp415Ala; replaces aspartic acid 415 with alanine.
Molecular consequence: missense variant. On other transcripts: intron variant (9).
Genome position (GRCh38, 1-based): chr10:20,840,833, T>G on the plus strand (A>C on the coding strand, the complement: NEBL is on the minus strand). VCF-style: chr10-20840833-T-G. GRCh37 (hg19) VCF-style: chr10-21129762-T-G.
Other names: c.250-27893A>C (NM_001377326.1, NM_001377327.1, NM_001377328.1); c.358-27893A>C (NM_213569.2, NM_001173484.2, NM_001377322.1); c.301-27893A>C (NM_001377324.1); c.292-27893A>C (NM_001377325.1); c.310-27893A>C (NM_001377323.1); short protein forms D415A.
Identifiers: ClinVar variation 2893217 (VCV002893217.4), dbSNP rs766254363, ClinGen allele CA5432933.